The following is an entry in ClinVar:

ClinVar aggregate classification (germline): Uncertain significance. Review status: criteria provided, multiple submitters, no conflicts (2 of 4 stars). 5 submissions from 5 submitters: Uncertain significance (5). Last evaluated 2026-04-22.

Conditions:
Peroxisome biogenesis disorder 2B (PBD2B). Identifiers: Orphanet 44, MedGen C3550234, MONDO:0008736, OMIM 202370.
Inborn genetic diseases. Identifiers: MedGen C0950123, MeSH D030342.
Likely inborn error of metabolism.
Peroxisome biogenesis disorder 2A (Zellweger) (PBD2A). Also called: Cerebrohepatorenal syndrome, variant types. Identifiers: Orphanet 912, MedGen C3550273, MONDO:0008954, OMIM 214110.

Allele frequency attached by ClinVar (database versions not stated): gnomAD 0.00006 and 0.00009; gnomAD exomes 0.00014 and 0.00007; ExAC 0.00017; TOPMed 0.00008; ESP Exome Variant Server 0.00031.
gnomAD v4.1: 118 of 1,614,100 alleles (0.0073%); highest among the groups gnomAD compares: South Asian, 0.097%; 3 homozygotes.

Submissions (5):

NHS Central & South Genomic Laboratory Hub
Classification: Uncertain significance for Likely inborn error of metabolism. Last evaluated: 2026-04-22. Review status: criteria provided, single submitter. Criteria: ACMG Guidelines, 2015. Collection method: clinical testing. Allele origin: germline. Affected: yes.

Labcorp Genetics (formerly Invitae), Labcorp
Classification: Uncertain significance for Peroxisome biogenesis disorder 2B. Last evaluated: 2022-10-25. Review status: criteria provided, single submitter. Criteria: Invitae Variant Classification Sherloc (09022015). Collection method: clinical testing. Allele origin: germline.
Comment: This sequence change replaces alanine, which is neutral and non-polar, with threonine, which is neutral and polar, at codon 625 of the PEX5 protein (p.Ala625Thr). This variant is present in population databases (rs143600154, gnomAD 0.08%). This variant has not been reported in the literature in individuals affected with PEX5-related conditions. ClinVar contains an entry for this variant (Variation ID: 310433). Advanced modeling of protein sequence and biophysical properties (such as structural, functional, and spatial information, amino acid conservation, physicochemical variation, residue mobility, and thermodynamic stability) performed at Invitae indicates that this missense variant is not expected to disrupt PEX5 protein function. In summary, the available evidence is currently insufficient to determine the role of this variant in disease. Therefore, it has been classified as a Variant of Uncertain Significance.

Ambry Genetics
Classification: Uncertain significance for Inborn genetic diseases. Last evaluated: 2021-04-29. Review status: criteria provided, single submitter. Criteria: Ambry Variant Classification Scheme 2023. Collection method: clinical testing. Allele origin: germline.

Illumina Laboratory Services, Illumina
Classification: Uncertain significance for Peroxisome biogenesis disorder 2A (Zellweger). Last evaluated: 2018-01-13. Review status: criteria provided, single submitter. Criteria: ICSL Variant Classification Criteria 13 December 2019. Collection method: clinical testing. Allele origin: germline.

Breakthrough Genomics
Classification: Uncertain significance. Review status: criteria provided, single submitter. Criteria: ACMG Guidelines, 2015. Collection method: not provided. Allele origin: germline. Inheritance: Autosomal recessive inheritance. Affected: yes.

NM_001351132.2(PEX5):c.1873G>A (p.Ala625Thr)

Gene: PEX5 (peroxisomal biogenesis factor 5; plus strand). Cytogenetic location: 12p13.31.
Variant type: single nucleotide variant.
Coding change: c.1873G>A on transcript NM_001351132.2 (MANE Select); coding-DNA position 1873, G replaced by A.
Protein change: p.Ala625Thr; replaces alanine 625 with threonine.
Molecular consequence: missense variant.
Genome position (GRCh38, 1-based): chr12:7,210,176, G>A. VCF-style: chr12-7210176-G-A. GRCh37 (hg19) VCF-style: chr12-7362772-G-A.
Other names: c.1762G>A, p.Ala588Thr (NM_001374648.2, NM_001131024.2, NM_001351124.3 and 7 more transcripts); c.1738G>A, p.Ala580Thr (NM_001374649.2, NM_001351139.2, NM_001351140.2); c.1849G>A, p.Ala617Thr (NM_000319.5); c.1918G>A, p.Ala640Thr (NM_001131023.2); c.1873G>A, p.Ala625Thr (NM_001131025.2, NM_001131026.2, NM_001300789.3 and 4 more transcripts); c.1807G>A, p.Ala603Thr (NM_001351135.3, NM_001351138.2); c.1864G>A, p.Ala622Thr (NM_001351136.2); short protein forms A625T, A617T, A588T, A603T, A640T, A580T, A622T.
Identifiers: ClinVar variation 310433 (VCV000310433.11), dbSNP rs143600154, ClinGen allele CA6426610.